The following is an entry in ClinVar:

NM_000283.4(PDE6B):c.368T>C (p.Leu123Pro)

Gene: PDE6B (phosphodiesterase 6B; plus strand). Cytogenetic location: 4p16.3.
Variant type: single nucleotide variant.
Coding change: c.368T>C on transcript NM_000283.4 (MANE Select); coding-DNA position 368, T replaced by C.
Protein change: p.Leu123Pro; replaces leucine 123 with proline.
Molecular consequence: missense variant.
Genome position (GRCh38, 1-based): chr4:625,994, T>C. VCF-style: chr4-625994-T-C. GRCh37 (hg19) VCF-style: chr4-619783-T-C.
Other names: c.368T>C, p.Leu123Pro (NM_001145291.2); short protein forms L123P.
Identifiers: ClinVar variation 3695562 (VCV003695562.3).

ClinVar aggregate classification (germline): Uncertain significance. Review status: criteria provided, multiple submitters, no conflicts (2 of 4 stars). 2 submissions from 2 submitters: Uncertain significance (2). Last evaluated 2024-04-08.

gnomAD v4.1: 2 of 1,583,562 alleles (0.00013%); highest among the groups gnomAD compares: Non-Finnish European, 0.00017%; no homozygotes.

Submissions (2):

Labcorp Genetics (formerly Invitae), Labcorp
Classification: Uncertain significance. Last evaluated: 2024-04-08. Review status: criteria provided, single submitter. Criteria: Invitae Variant Classification Sherloc (09022015). Collection method: clinical testing. Allele origin: germline.
Comment: This sequence change replaces leucine, which is neutral and non-polar, with proline, which is neutral and non-polar, at codon 123 of the PDE6B protein (p.Leu123Pro). This variant is not present in population databases (gnomAD no frequency). This variant has not been reported in the literature in individuals affected with PDE6B-related conditions. Advanced modeling of protein sequence and biophysical properties (such as structural, functional, and spatial information, amino acid conservation, physicochemical variation, residue mobility, and thermodynamic stability) has been performed at Invitae for this missense variant, however the output from this modeling did not meet the statistical confidence thresholds required to predict the impact of this variant on PDE6B protein function. In summary, the available evidence is currently insufficient to determine the role of this variant in disease. Therefore, it has been classified as a Variant of Uncertain Significance.

Blueprint Genetics
Classification: Uncertain significance. Last evaluated: 2019-11-21. Review status: criteria provided, single submitter. Criteria: ACMG Guidelines, 2015. Collection method: clinical testing. Allele origin: germline.